The following is an entry in ClinVar:

NM_001203.3(BMPR1B):c.11G>A (p.Arg4Gln)

Gene: BMPR1B (bone morphogenetic protein receptor type 1B; plus strand). Cytogenetic location: 4q22.3.
Variant type: single nucleotide variant.
Coding change: c.11G>A on transcript NM_001203.3 (MANE Select); coding-DNA position 11, G replaced by A.
Protein change: p.Arg4Gln; replaces arginine 4 with glutamine.
Molecular consequence: missense variant.
Genome position (GRCh38, 1-based): chr4:95,104,435, G>A. VCF-style: chr4-95104435-G-A. GRCh37 (hg19) VCF-style: chr4-96025586-G-A.
Other names: c.11G>A, p.Arg4Gln (NM_001256792.2, NM_001256794.1); c.101G>A, p.Arg34Gln (NM_001256793.2); short protein forms R34Q, R4Q.
Identifiers: ClinVar variation 906582 (VCV000906582.27), dbSNP rs150974461, ClinGen allele CA3014860.

ClinVar aggregate classification (germline): Conflicting classifications of pathogenicity. Review status: criteria provided, conflicting classifications (1 of 4 stars). 6 submissions from 6 submitters: Uncertain significance (2); Benign (1); Likely benign (2). 1 of the submissions does not count toward it. Last evaluated 2025-12-10.

Conditions:
Acromesomelic dysplasia 3 (AMD3). Also called: CHONDRODYSPLASIA, ACROMESOMELIC, WITH OR WITHOUT GENITAL ANOMALIES; Acromesomelic dysplasia, Demirhan type. Identifiers: MedGen C4225404, MONDO:0012274, OMIM 609441.
BMPR1B-related disorder. Also called: BMPR1B-related condition.
Brachydactyly. Also called: Brachydactyly (disease); Brachydactyly syndrome. Identifiers: MedGen C0221357, MONDO:0021004, HP:0001156.
Type A2 brachydactyly (BDA2). Also called: Brachymesophalangy type 2; BRACHYMESOPHALANGY II; MOHR-WRIEDT TYPE BRACHYDACTYLY. Identifiers: Orphanet 93396, MedGen C1832702, MONDO:0007216, OMIM 112600, HP:0009372.
Idiopathic pulmonary arterial hypertension. Identifiers: Orphanet 275766, MedGen C3203102, MeSH D065627, MONDO:0001999.

Allele frequency attached by ClinVar (database versions not stated): gnomAD 0.00026; ESP Exome Variant Server 0.00031; TOPMed 0.00031.
gnomAD v4.1: 630 of 1,612,962 alleles (0.039%); highest among the groups gnomAD compares: Middle Eastern, 0.2%; 1 homozygote.

Submissions (6):

Labcorp Genetics (formerly Invitae), Labcorp
Classification: Likely benign for Type A2 brachydactyly; Acromesomelic dysplasia 3. Last evaluated: 2025-12-10. Review status: criteria provided, single submitter. Criteria: Invitae Variant Classification Sherloc (09022015). Collection method: clinical testing. Allele origin: germline.

Johns Hopkins Genomics, Johns Hopkins University
Classification: Likely benign for Idiopathic pulmonary arterial hypertension. Last evaluated: 2021-08-27. Review status: criteria provided, single submitter. Criteria: ACMG Guidelines, 2015. Collection method: clinical testing. Allele origin: germline.

GeneDx
Classification: Uncertain significance. Last evaluated: 2019-07-12. Review status: criteria provided, single submitter. Criteria: GeneDx Variant Classification Process June 2021. Collection method: clinical testing. Allele origin: germline. Affected: yes.
Comment: Reported in an abstract in patients with primary ovarian insufficiency; no other details aee available to GeneDx (Rossetti et al., 2009); In silico analysis, which includes protein predictors and evolutionary conservation, supports that this variant does not alter protein structure/function

Baylor Genetics
Classification: Uncertain significance for Acromesomelic dysplasia 3. Last evaluated: 2018-06-06. Review status: criteria provided, single submitter. Criteria: ACMG Guidelines, 2015. Collection method: clinical testing. Allele origin: paternal. Affected: yes.
Comment: This variant was determined to be of uncertain significance according to ACMG Guidelines, 2015 [PMID:25741868].

Illumina Laboratory Services, Illumina
Classification: Benign for Brachydactyly. Last evaluated: 2018-01-13. Review status: criteria provided, single submitter. Criteria: ICSL Variant Classification Criteria 13 December 2019. Collection method: clinical testing. Allele origin: germline.
Comment: This variant was observed in the ICSL laboratory as part of a predisposition screen in an ostensibly healthy population. It had not been previously curated by ICSL or reported in the Human Gene Mutation Database (HGMD: prior to June 1st, 2018), and was therefore a candidate for classification through an automated scoring system. Utilizing variant allele frequency, disease prevalence and penetrance estimates, and inheritance mode, an automated score was calculated to assess if this variant is too frequent to cause the disease. Based on the score and internal cut-off values, a variant classified as benign is not then subjected to further curation. The score for this variant resulted in a classification of benign for this disease.

PreventionGenetics, part of Exact Sciences
Classification: Uncertain significance for BMPR1B-related condition. Last evaluated: 2024-07-31. Review status: no assertion criteria provided. Collection method: clinical testing. Allele origin: germline. Not counted in ClinVar's aggregate classification.
Comment: The BMPR1B c.11G>A variant is predicted to result in the amino acid substitution p.Arg4Gln. This variant has been reported as uncertain in an individual with primary ovarian insufficiency (reported as p.Arg34Gln in Table S7, Heddar. et al 2022. PubMed ID: 36099812). This variant is reported in 0.062% of alleles in individuals of European (Non-Finnish) descent in gnomAD. In ClinVar, this variant has been reported as benign/likely benign/uncertain. Although we suspect that this variant may be benign, at this time, the clinical significance of this variant is uncertain due to the absence of conclusive functional and genetic evidence.

Literature cited by the submitters: PubMed 22374147 (cited by Johns Hopkins Genomics, Johns Hopkins University); PubMed 25758993 (cited by Johns Hopkins Genomics, Johns Hopkins University).